The following is an entry in ClinVar:

NM_000069.3(CACNA1S):c.135C>T (p.Ile45=)

Gene: CACNA1S (calcium voltage-gated channel subunit alpha1 S; minus strand). Cytogenetic location: 1q32.1.
Variant type: single nucleotide variant.
Coding change: c.135C>T on transcript NM_000069.3 (MANE Select); coding-DNA position 135, C replaced by T.
Protein change: p.Ile45=; no amino-acid change (isoleucine 45 retained).
Molecular consequence: synonymous variant.
Genome position (GRCh38, 1-based): chr1:201,112,205, G>A on the plus strand (C>T on the coding strand, the complement: CACNA1S is on the minus strand). VCF-style: chr1-201112205-G-A. GRCh37 (hg19) VCF-style: chr1-201081333-G-A.
Identifiers: ClinVar variation 3069689 (VCV003069689.1), dbSNP rs2464701343, ClinGen allele CA422697881.

ClinVar aggregate classification (germline): Likely benign (1 of 4 stars; one submission).

Conditions:
Malignant hyperthermia, susceptibility to, 5 (MHS5). Also called: CACNA1S-Related Malignant Hyperthermia Susceptibility. Identifiers: Orphanet 423, MedGen C1866077, MONDO:0011163, OMIM 601887.

Submission:

All of Us Research Program, National Institutes of Health
Classification: Likely benign for Malignant hyperthermia, susceptibility to, 5. Last evaluated: 2023-02-24. Review status: criteria provided, single submitter. Criteria: ACMG Guidelines, 2015. Collection method: clinical testing. Allele origin: germline. Inheritance: Autosomal dominant inheritance. Observed: 1 variant allele, 1 heterozygote.
Comment: This study involves interpretation of variants in research participants for the purpose of population health screening. Participant phenotype was not available at the time of variant classification. Additional details can be found in publication PMID: 35346344, PMCID: PMC8962531